The following is an entry in ClinVar:

ClinVar aggregate classification (germline): Likely benign (0 of 4 stars; one submission).

Conditions:
SCGN-related disorder. Also called: SCGN-related condition.

Allele frequency attached by ClinVar (database versions not stated): ExAC 0.00036; 1000 Genomes Project 0.00060; 1000 Genomes Project 30x 0.00062; ESP Exome Variant Server 0.00108; gnomAD 0.00137; TOPMed 0.00173.
gnomAD v4.1: 398 of 1,613,104 alleles (0.025%); highest among the groups gnomAD compares: African/African-American, 0.42%; 1 homozygote.

Submission:

PreventionGenetics, part of Exact Sciences
Classification: Likely benign for SCGN-related condition. Last evaluated: 2023-07-30. Review status: no assertion criteria provided. Collection method: clinical testing. Allele origin: germline.
Comment: This variant is classified as likely benign based on ACMG/AMP sequence variant interpretation guidelines (Richards et al. 2015 PMID: 25741868, with internal and published modifications).

NM_006998.4(SCGN):c.449T>A (p.Leu150Gln)

Gene: SCGN (secretagogin, EF-hand calcium binding protein; plus strand). Cytogenetic location: 6p22.2.
Variant type: single nucleotide variant.
Coding change: c.449T>A on transcript NM_006998.4 (MANE Select); coding-DNA position 449, T replaced by A.
Protein change: p.Leu150Gln; replaces leucine 150 with glutamine.
Molecular consequence: missense variant.
Genome position (GRCh38, 1-based): chr6:25,670,054, T>A. VCF-style: chr6-25670054-T-A. GRCh37 (hg19) VCF-style: chr6-25670282-T-A.
Other names: short protein forms L150Q.
Identifiers: ClinVar variation 3048391 (VCV003048391.2), dbSNP rs143719979, ClinGen allele CA3661374.